The following is an entry in ClinVar:

NM_004260.4(RECQL4):c.241C>T (p.His81Tyr)

Gene: RECQL4 (RecQ like helicase 4; minus strand). Cytogenetic location: 8q24.3.
Variant type: single nucleotide variant.
Coding change: c.241C>T on transcript NM_004260.4 (MANE Select); coding-DNA position 241, C replaced by T.
Protein change: p.His81Tyr; replaces histidine 81 with tyrosine.
Molecular consequence: missense variant.
Genome position (GRCh38, 1-based): chr8:144,517,163, G>A on the plus strand (C>T on the coding strand, the complement: RECQL4 is on the minus strand). VCF-style: chr8-144517163-G-A. GRCh37 (hg19) VCF-style: chr8-145742547-G-A.
Other names: c.241C>T, p.His81Tyr (NM_001413017.1, NM_001413018.1, NM_001413019.1 and 5 more transcripts); c.-480C>T (NM_001413021.1); c.-831C>T (NM_001413022.1, NM_001413023.1, NM_001413037.1 and 3 more transcripts); c.-728C>T (NM_001413024.1, NM_001413035.1); c.112C>T, p.His38Tyr (NM_001413025.1); c.-893C>T (NM_001413027.1, NM_001413030.1, NM_001413031.1 and 1 more transcripts); c.-556C>T (NM_001413028.1); c.-790C>T (NM_001413032.1); and 3 more; short protein forms H38Y, H81Y.
Identifiers: ClinVar variation 2041418 (VCV002041418.5), dbSNP rs1815250921, ClinGen allele CA372692295.

ClinVar aggregate classification (germline): Uncertain significance. Review status: criteria provided, multiple submitters, no conflicts (2 of 4 stars). 2 submissions from 2 submitters: Uncertain significance (2). Last evaluated 2025-04-04.

Conditions:
Inborn genetic diseases. Identifiers: MedGen C0950123, MeSH D030342.
Baller-Gerold syndrome (BGS). Also called: CRANIOSYNOSTOSIS WITH RADIAL DEFECTS. Identifiers: Orphanet 1225, MedGen C0265308, MONDO:0009039, OMIM 218600.

Allele frequency attached by ClinVar (database versions not stated): gnomAD exomes below 0.00001; TOPMed below 0.00001.
gnomAD v4.1: 6 of 1,608,810 alleles (0.00037%); highest among the groups gnomAD compares: African/African-American, 0.0067%; no homozygotes.

Submissions (2):

Ambry Genetics
Classification: Uncertain significance for Inborn genetic diseases. Last evaluated: 2025-04-04. Review status: criteria provided, single submitter. Criteria: Ambry Variant Classification Scheme 2023. Collection method: clinical testing. Allele origin: germline.
Comment: The p.H81Y variant (also known as c.241C>T), located in coding exon 4 of the RECQL4 gene, results from a C to T substitution at nucleotide position 241. The histidine at codon 81 is replaced by tyrosine, an amino acid with similar properties. This amino acid position is conserved. In addition, the in silico prediction for this alteration is inconclusive. Based on the available evidence, the clinical significance of this variant remains unclear.

Labcorp Genetics (formerly Invitae), Labcorp
Classification: Uncertain significance for Baller-Gerold syndrome. Last evaluated: 2022-10-06. Review status: criteria provided, single submitter. Criteria: Invitae Variant Classification Sherloc (09022015). Collection method: clinical testing. Allele origin: germline.
Comment: In summary, the available evidence is currently insufficient to determine the role of this variant in disease. Therefore, it has been classified as a Variant of Uncertain Significance. Experimental studies and prediction algorithms are not available or were not evaluated, and the functional significance of this variant is currently unknown. This variant has not been reported in the literature in individuals affected with RECQL4-related conditions. This variant is not present in population databases (gnomAD no frequency). This sequence change replaces histidine, which is basic and polar, with tyrosine, which is neutral and polar, at codon 81 of the RECQL4 protein (p.His81Tyr).